The following is an entry in ClinVar:

ClinVar aggregate classification (germline): Benign/Likely benign. Review status: criteria provided, multiple submitters, no conflicts (2 of 4 stars). 5 submissions from 5 submitters: Benign (2); Likely benign (3). Last evaluated 2025-05-27.

Conditions:
Tuberous sclerosis 2 (TSC2). Identifiers: Orphanet 805, MedGen C1860707, MONDO:0013199, OMIM 613254.
Hereditary cancer-predisposing syndrome. Also called: Neoplastic Syndromes, Hereditary; Hereditary neoplastic syndrome; Tumor predisposition; Hereditary Cancer Syndrome. Identifiers: Orphanet 140162, MedGen C0027672, MeSH D009386, MONDO:0015356.

Allele frequency attached by ClinVar (database versions not stated): ExAC 0.00001; gnomAD 0.00001; gnomAD exomes 0.00001.
gnomAD v4.1: 10 of 1,612,786 alleles (0.00062%); highest among the groups gnomAD compares: South Asian, 0.0066%; no homozygotes.

Submissions (5):

Myriad Genetics, Inc.
Classification: Benign for Tuberous sclerosis 2. Last evaluated: 2025-05-27. Review status: criteria provided, single submitter. Criteria: Myriad Autosomal Dominant, Autosomal Recessive and X-Linked Classification Criteria (2023). Collection method: clinical testing. Allele origin: unknown.
Comment: This variant is considered benign. This variant is a silent/synonymous amino acid change and it is not expected to impact splicing.

Labcorp Genetics (formerly Invitae), Labcorp
Classification: Likely benign for Tuberous sclerosis 2. Last evaluated: 2024-07-20. Review status: criteria provided, single submitter. Criteria: Invitae Variant Classification Sherloc (09022015). Collection method: clinical testing. Allele origin: germline.

Ambry Genetics
Classification: Likely benign for Hereditary cancer-predisposing syndrome. Last evaluated: 2022-09-10. Review status: criteria provided, single submitter. Criteria: Ambry Variant Classification Scheme 2023. Collection method: clinical testing. Allele origin: germline.

Genome-Nilou Lab
Classification: Benign for Tuberous sclerosis 2. Last evaluated: 2021-11-07. Review status: criteria provided, single submitter. Criteria: ACMG Guidelines, 2015. Collection method: clinical testing. Allele origin: germline. Affected: no.

GeneDx
Classification: Likely benign. Last evaluated: 2019-10-31. Review status: criteria provided, single submitter. Criteria: GeneDx Variant Classification Process June 2021. Collection method: clinical testing. Allele origin: germline. Affected: yes.

NM_000548.5(TSC2):c.2998T>C (p.Leu1000=)

Gene: TSC2 (TSC complex subunit 2; plus strand). Cytogenetic location: 16p13.3.
Variant type: single nucleotide variant.
Coding change: c.2998T>C on transcript NM_000548.5 (MANE Select); coding-DNA position 2998, T replaced by C.
Protein change: p.Leu1000=; no amino-acid change (leucine 1000 retained).
Molecular consequence: synonymous variant.
Genome position (GRCh38, 1-based): chr16:2,079,063, T>C. VCF-style: chr16-2079063-T-C. GRCh37 (hg19) VCF-style: chr16-2129064-T-C.
Other names: c.2866T>C, p.Leu956= (NM_001077183.3, NM_001370404.1); c.2998T>C, p.Leu1000= (NM_001114382.3); c.2758T>C, p.Leu920= (NM_001318827.2); c.2722T>C, p.Leu908= (NM_001318829.2); c.2266T>C, p.Leu756= (NM_001318831.2); c.2899T>C, p.Leu967= (NM_001318832.2); c.2869T>C, p.Leu957= (NM_001363528.2, NM_001370405.1, NM_021055.3).
Identifiers: ClinVar variation 385050 (VCV000385050.17), dbSNP rs756679047, ClinGen allele CA043683.